The following is an entry in ClinVar:

NM_004380.3(CREBBP):c.3869T>A (p.Met1290Lys)

Gene: CREBBP (CREB binding lysine acetyltransferase; minus strand). Cytogenetic location: 16p13.3.
Variant type: single nucleotide variant.
Coding change: c.3869T>A on transcript NM_004380.3 (MANE Select); coding-DNA position 3869, T replaced by A.
Protein change: p.Met1290Lys; replaces methionine 1290 with lysine.
Molecular consequence: missense variant.
Genome position (GRCh38, 1-based): chr16:3,745,322, A>T on the plus strand (T>A on the coding strand, the complement: CREBBP is on the minus strand). VCF-style: chr16-3745322-A-T. GRCh37 (hg19) VCF-style: chr16-3795323-A-T.
Other names: c.3755T>A, p.Met1252Lys (NM_001079846.1); short protein forms M1252K, M1290K.
Identifiers: ClinVar variation 4987450 (VCV004987450.1).

ClinVar aggregate classification (germline): Uncertain significance (1 of 4 stars; one submission).

Conditions:
CREBBP-related disorder. Also called: CREBBP-related disorders; CREBBP-related condition.

Submission:

PreventionGenetics, part of Exact Sciences
Classification: Uncertain significance for CREBBP-related condition. Last evaluated: 2024-11-23. Review status: criteria provided, single submitter. Criteria: ACMG Guidelines, 2015. Collection method: clinical testing. Allele origin: germline.
Comment: The CREBBP c.3869T>A variant is predicted to result in the amino acid substitution p.Met1290Lys. To our knowledge, this variant has not been reported in the literature or in a large population database (gnomAD), indicating this variant is rare. At this time, the clinical significance of this variant is uncertain due to the absence of conclusive functional and genetic evidence.